The following is an entry in ClinVar:

ClinVar aggregate classification (germline): Likely pathogenic (1 of 4 stars; one submission).

Conditions:
Fetal akinesia deformation sequence 1 (FADS1). Also called: Pena-Shokeir syndrome type I; Fetal akinesia sequence. Identifiers: Orphanet 994, MedGen C1276035, MONDO:0100101, OMIM 208150, HP:0001989.
Congenital myasthenic syndrome 9. Also called: Myasthenic syndrome, congenital, 9, associated with acetylcholine receptor deficiency. Identifiers: Orphanet 590, MedGen C4225368, MONDO:0014587, OMIM 616325.

Allele frequency attached by ClinVar (database versions not stated): gnomAD exomes below 0.00001; ExAC 0.00001; gnomAD 0.00001; 1000 Genomes Project 30x 0.00016; 1000 Genomes Project 0.00020.
gnomAD v4.1: 4 of 1,584,036 alleles (0.00025%); highest among the groups gnomAD compares: Admixed American, 0.0073%; no homozygotes.

Submission:

Labcorp Genetics (formerly Invitae), Labcorp
Classification: Likely pathogenic for Congenital myasthenic syndrome 9; Fetal akinesia deformation sequence 1. Last evaluated: 2022-10-17. Review status: criteria provided, single submitter. Criteria: Invitae Variant Classification Sherloc (09022015). Collection method: clinical testing. Allele origin: germline.
Comment: This sequence change affects a donor splice site in intron 9 of the MUSK gene. It is expected to disrupt RNA splicing. Variants that disrupt the donor or acceptor splice site typically lead to a loss of protein function (PMID: 16199547), and loss-of-function variants in MUSK are known to be pathogenic (PMID: 8653786, 25612909, 25695962, 25900532). This variant is present in population databases (rs532285449, gnomAD 0.004%). This variant has not been reported in the literature in individuals affected with MUSK-related conditions. Algorithms developed to predict the effect of sequence changes on RNA splicing suggest that this variant may disrupt the consensus splice site. In summary, the currently available evidence indicates that the variant is pathogenic, but additional data are needed to prove that conclusively. Therefore, this variant has been classified as Likely Pathogenic.

Literature cited by the submitters: PubMed 16199547; PubMed 8653786; PubMed 25612909; PubMed 25695962; PubMed 25900532.

NM_005592.4(MUSK):c.1184+2T>C

Gene: MUSK (muscle associated receptor tyrosine kinase; plus strand). Cytogenetic location: 9q31.3.
Variant type: single nucleotide variant.
Coding change: c.1184+2T>C on transcript NM_005592.4 (MANE Select); the canonical splice donor site of the intron after coding-DNA position 1184, T replaced by C.
Molecular consequence: splice donor variant. On other transcripts: intron variant (2).
Genome position (GRCh38, 1-based): chr9:110,768,085, T>C. VCF-style: chr9-110768085-T-C. GRCh37 (hg19) VCF-style: chr9-113530365-T-C.
Other names: c.950+5877T>C (NM_001166280.2); c.920+5877T>C (NM_001166281.2); c.-53+2T>C (NM_001369398.1).
Identifiers: ClinVar variation 1971882 (VCV001971882.5), dbSNP rs532285449, ClinGen allele CA5184283.